The following is an entry in ClinVar:

NM_000088.4(COL1A1):c.3040C>T (p.Arg1014Cys)

Gene: COL1A1 (collagen type I alpha 1 chain; minus strand). Cytogenetic location: 17q21.33.
Variant type: single nucleotide variant.
Coding change: c.3040C>T on transcript NM_000088.4 (MANE Select); coding-DNA position 3040, C replaced by T.
Protein change: p.Arg1014Cys; replaces arginine 1014 with cysteine.
Molecular consequence: missense variant.
Genome position (GRCh38, 1-based): chr17:50,188,908, G>A on the plus strand (C>T on the coding strand, the complement: COL1A1 is on the minus strand). VCF-style: chr17-50188908-G-A. GRCh37 (hg19) VCF-style: chr17-48266269-G-A.
Other names: R836C; short protein forms R1014C.
Identifiers: ClinVar variation 17347 (VCV000017347.26), dbSNP rs72653170, ClinGen allele CA341441.

ClinVar aggregate classification (germline): Pathogenic. Review status: criteria provided, multiple submitters, no conflicts (2 of 4 stars). 9 submissions from 9 submitters: Pathogenic (7). 2 of the submissions do not count toward it. Last evaluated 2025-12-21.

Conditions:
COL1A1-related disorder. Also called: COL1A1-related condition; COL1A1- related disease.
Osteogenesis imperfecta type I (OI1). Also called: Lobstein disease; Lobstein's Disease; OI, TYPE I; OSTEOGENESIS IMPERFECTA TARDA; OSTEOGENESIS IMPERFECTA WITH BLUE SCLERAE; Osteogenesis imperfecta type 1. Identifiers: Orphanet 216796, Orphanet 666, MedGen C0023931, MONDO:0008146, OMIM 166200. Disease mechanism: loss of function.
Ehlers-Danlos syndrome, arthrochalasia type. Also called: Ehlers-Danlos syndrome, arthrochalasis type; Ehlers-Danlos syndrome, arthrochalasia type, 1; ARTHROCHALASIS MULTIPLEX CONGENITA; EDS VII, MUTANT PROCOLLAGEN TYPE; EDS VIIA. Identifiers: Orphanet 1899, Orphanet 99875, Orphanet 99876, MedGen C4551623, MONDO:0007525, OMIM 130060.
Osteogenesis imperfecta, perinatal lethal (OI2). Also called: OI, TYPE II; OSTEOGENESIS IMPERFECTA, TYPE II; OSTEOGENESIS IMPERFECTA CONGENITA; VROLIK TYPE OF OSTEOGENESIS IMPERFECTA; Osteogenesis imperfecta, dominant perinatal lethal; Osteogenesis imperfecta type 2. Identifiers: Orphanet 216804, MedGen C0268358, MONDO:0008147, OMIM 166210.
Osteogenesis imperfecta type III (OI3). Also called: Osteogenesis imperfecta type 3; OI type 3; Osteogenesis imperfecta, progressively deforming with normal sclerae; OI type III; Progressively Deforming Osteogenesis Imperfecta. Identifiers: Orphanet 216812, Orphanet 666, MedGen C0268362, MONDO:0009804, OMIM 259420.
Infantile cortical hyperostosis. Also called: Caffey Disease; P1PK BLOOD GROUP SYSTEM, P(2) PHENOTYPE; Hyperostosis, Cortical, Congenital. Identifiers: Orphanet 1310, MedGen C0020497, MONDO:0007244, OMIM 114000.
Postmenopausal osteoporosis. Also called: OSTEOPOROSIS, INVOLUTIONAL; BONE MINERAL DENSITY QUANTITATIVE TRAIT LOCUS. Identifiers: MedGen C0029458, MONDO:0008159.
Osteogenesis imperfecta with normal sclerae, dominant form (OI4). Also called: OSTEOGENESIS IMPERFECTA, TYPE IV, WITH DENTINOGENESIS IMPERFECTA; Osteogenesis Imperfecta Type IV; OSTEOGENESIS IMPERFECTA WITH NORMAL SCLERAE; Osteogenesis imperfecta type 4; Common Variable Osteogenesis Imperfecta with Normal Sclerae. Identifiers: Orphanet 216820, Orphanet 666, MedGen C0268363, MONDO:0008148, OMIM 166220.

Allele frequency attached by ClinVar (database versions not stated): ExAC 0.00001; gnomAD exomes 0.00001.
gnomAD v4.1: 8 of 1,603,258 alleles (0.0005%); highest among the groups gnomAD compares: East Asian, 0.0022%; no homozygotes.

Submissions (9):

Labcorp Genetics (formerly Invitae), Labcorp
Classification: Pathogenic for Osteogenesis imperfecta type I. Last evaluated: 2025-12-21. Review status: criteria provided, single submitter. Criteria: Invitae Variant Classification Sherloc (09022015). Collection method: clinical testing. Allele origin: germline.
Comment: This sequence change replaces arginine, which is basic and polar, with cysteine, which is neutral and slightly polar, at codon 1014 of the COL1A1 protein (p.Arg1014Cys). This variant is present in population databases (rs72653170, gnomAD 0.006%). This missense change has been observed in individual(s) with Caffey disease (PMID: 15864348, 17309652, 18553566, 18704262, 21249479, 21567126, 24390061). It has also been observed to segregate with disease in related individuals. This variant is also known as p.Arg836Cys. ClinVar contains an entry for this variant (Variation ID: 17347). Invitae Evidence Modeling of protein sequence and biophysical properties (such as structural, functional, and spatial information, amino acid conservation, physicochemical variation, residue mobility, and thermodynamic stability) indicates that this missense variant is expected to disrupt COL1A1 protein function with a positive predictive value of 95%. Experimental studies have shown that this missense change affects COL1A1 function (PMID: 15864348). For these reasons, this variant has been classified as Pathogenic.

Clinical Biomedical Laboratory, Shriners Hospital For Children - Canada
Classification: Pathogenic for Infantile cortical hyperostosis. Last evaluated: 2025-06-18. Review status: criteria provided, single submitter. Criteria: ACMG Guidelines, 2015. Collection method: clinical testing. Allele origin: germline. Affected: yes.
Comment: This variant changes an arginine residue in the collagen type I alpha 1 chain to a cysteine residue. The variant is very rare in the gnomAD database and is predicted to be damaging to protein function (Revel 0.93. We have observed this variant in our in-house molecular diagnosis laboratory in several families with Caffey’s disease. The variant is a typical cause of Caffey’s disease and has been published in several reports (e.g., PMID 15864348).

PreventionGenetics, part of Exact Sciences
Classification: Pathogenic for COL1A1-related condition. Last evaluated: 2025-06-11. Review status: criteria provided, single submitter. Criteria: ACMG Guidelines, 2015. Collection method: clinical testing. Allele origin: germline.
Comment: The COL1A1 c.3040C>T variant is predicted to result in the amino acid substitution p.Arg1014Cys. This variant has been repeatedly reported to be pathogenic for autosomal dominant Caffey Disease with incomplete penetrance (see example: reported as p.Arg836Cys, Gensure et al. 2005. PubMed ID: 15864348; Cho. 2008 et al. PubMed ID: 18704262; Dhooge et al. 2021. PubMed ID: 34272483; Kitaoka et al. 2014. PubMed ID: 24390061; Braslavsky et al. 2024. PubMed ID: 38154004). This variant is reported in 0.0054% of alleles in individuals of East Asian descent in gnomAD. This variant is interpreted as pathogenic.

3billion
Classification: Pathogenic for Infantile cortical hyperostosis. Last evaluated: 2024-11-26. Review status: criteria provided, single submitter. Criteria: ACMG Guidelines, 2015. Collection method: clinical testing. Allele origin: germline. Affected: yes.
Comment: The variant is observed at an extremely low frequency in the gnomAD v4.1.0 dataset (total allele frequency: <0.001%). Predicted Consequence/Location: Missense variant Functional studies provide supporting evidence of the variant having a damaging effect on the gene or gene product (PMID: 15864348). In silico tool predictions suggest damaging effect of the variant on gene or gene product [REVEL: 0.93 (>=0.6, sensitivity 0.68 and specificity 0.92); 3Cnet: 0.14 (>=0.6, sensitivity 0.72 and precision 0.9)]. The same nucleotide change resulting in the same amino acid change has been previously reported as pathogenic/likely pathogenic with strong evidence (ClinVar ID: VCV000017347 /PMID: 15864348). The variant has been observed in multiple (>3) similarly affected unrelated individuals (PMID: 18704262, 21249479, 21567126, 24390061). The variant has been reported to co-segregate with the disease in at least 7 similarly affected relatives/individuals in at least two unrelated families (PMID: 21567126, 24390061). Therefore, this variant is classified as Pathogenic according to the recommendation of ACMG/AMP guideline.

GeneDx
Classification: Pathogenic. Last evaluated: 2022-04-07. Review status: criteria provided, single submitter. Criteria: GeneDx Variant Classification Process June 2021. Collection method: clinical testing. Allele origin: germline. Affected: yes.
Comment: Skin biopsy from an affected adult with this variant demonstrated less densely packed collagen fibrils of variable shape and size surrounded by granular material, while analysis of collagen fibrils in cultured skin fibroblasts indicated increased disulfide crosslinking (Gensure et al., 2005); Not observed at significant frequency in large population cohorts (gnomAD); In silico analysis supports that this missense variant has a deleterious effect on protein structure/function; Located in the Gly-X-Y triple helical region of the pro-alpha1(I) chain encoded by the COL1A1 gene, where triplet glycine substitutions are the most common cause of osteogenesis imperfecta (OI). The effect of missense substitution at the X and Y positions are more difficult to predict; however, multiple variants that result in introduction of a Cys residue in pro-alpha1(I) have been reported to be pathogenic (Dalgleish, 1998); This variant is associated with the following publications: (PMID: 21249479, 22855962, 15864348, 18553566, 18704262, 17309652, 21567126, 24390061)

ARUP Laboratories, Molecular Genetics and Genomics, ARUP Laboratories
Classification: Pathogenic. Last evaluated: 2020-05-21. Review status: criteria provided, single submitter. Criteria: ARUP Molecular Germline Variant Investigation Process. Collection method: clinical testing. Allele origin: germline.
Comment: The COL1A1 c.3040C>T; p.Arg1014Cys variant (rs72653170) is reported in the literature in numerous individuals and families affected with infantile cortical hyperostosis, also called Caffey disease (Cho 2008, Gensure 2005, Kitaoka 2014, Suphapeetiporn 2007). This variant has been observed to segregate with disease in multiple families, although it exhibits incomplete penetrance (Gensure 2005, Kitaoka 2014, Suphapeetiporn 2007). In one family, the variant was found in two affected identical twins but was absent from both parents, suggesting a de novo origin (Gensure 2005). This variant is found on only two chromosomes in the Genome Aggregation Database (2/250334 alleles), indicating it is not a common polymorphism. The arginine at codon 1014 is highly conserved, and computational analyses (SIFT, PolyPhen-2) predict that this variant is deleterious. Based on available information, this variant is considered to be pathogenic. References: Cho TJ et al. The c.3040C > T mutation in COL1A1 is recurrent in Korean patients with infantile cortical hyperostosis (Caffey disease). J Hum Genet. 2008;53(10):947. Gensure RC et al. A novel COL1A1 mutation in infantile cortical hyperostosis (Caffey disease) expands the spectrum of collagen-related disorders. J Clin Invest. 2005 May;115(5):1250-7. Kitaoka T et al. Two Japanese familial cases of Caffey disease with and without the common COL1A1 mutation and normal bone density, and review of the literature. Eur J Pediatr. 2014 Jun;173(6):799-804. Suphapeetiporn K et al. Expanding the phenotypic spectrum of Caffey disease. Clin Genet. 2007 Mar;71(3):280-4.

Fulgent Genetics
Classification: Pathogenic for Infantile cortical hyperostosis; Ehlers-Danlos syndrome, arthrochalasia type; Osteogenesis imperfecta type I; Osteogenesis imperfecta, perinatal lethal; Osteogenesis imperfecta with normal sclerae, dominant form; Osteoporosis; Osteogenesis imperfecta type III. Last evaluated: 2018-10-31. Review status: criteria provided, single submitter. Criteria: ACMG Guidelines, 2015. Collection method: clinical testing. Allele origin: unknown.

OMIM
Classification: Pathogenic for CAFFEY DISEASE. Last evaluated: 2008-07-15. Review status: no assertion criteria provided. Collection method: literature only. Allele origin: germline. Not counted in ClinVar's aggregate classification.

GeneReviews
No classification provided. Condition: Infantile cortical hyperostosis. Review status: no classification provided. Collection method: literature only. Allele origin: unknown. Not counted in ClinVar's aggregate classification.

Literature cited by the submitters: PubMed 15864348 (cited by 4 submitters); PubMed 17309652 (cited by Labcorp Genetics (formerly Invitae), Labcorp and OMIM); PubMed 18553566 (cited by Labcorp Genetics (formerly Invitae), Labcorp and OMIM); PubMed 18704262 (cited by Labcorp Genetics (formerly Invitae), Labcorp and 3billion); PubMed 21249479 (cited by Labcorp Genetics (formerly Invitae), Labcorp and 3billion); PubMed 21567126 (cited by Labcorp Genetics (formerly Invitae), Labcorp and 3billion); PubMed 24390061 (cited by Labcorp Genetics (formerly Invitae), Labcorp and 3billion); PubMed 22855962 (cited by GeneReviews); NCBI Bookshelf NBK99168 (cited by GeneReviews).